The following is an entry in ClinVar:

NM_001673.5(ASNS):c.1618A>G (p.Lys540Glu)

Genes: ASNS (asparagine synthetase (glutamine-hydrolyzing); minus strand), CZ1P-ASNS (CZ1P-ASNS readthrough; minus strand). Cytogenetic location: 7q21.3.
Variant type: single nucleotide variant.
Coding change: c.1618A>G on transcript NM_001673.5 (MANE Select); coding-DNA position 1618, A replaced by G.
Protein change: p.Lys540Glu; replaces lysine 540 with glutamic acid.
Molecular consequence: missense variant. On other transcripts: non-coding transcript variant (1).
Genome position (GRCh38, 1-based): chr7:97,852,327, T>C on the plus strand (A>G on the coding strand, the complement: ASNS is on the minus strand). VCF-style: chr7-97852327-T-C. GRCh37 (hg19) VCF-style: chr7-97481639-T-C.
Other names: c.1555A>G, p.Lys519Glu (NM_001178075.2); c.1369A>G, p.Lys457Glu (NM_001178076.2, NM_001178077.1); c.1618A>G, p.Lys540Glu (NM_001352496.2, NM_133436.3, NM_183356.4); short protein forms K519E, K540E, K457E.
Identifiers: ClinVar variation 2064952 (VCV002064952.1), dbSNP rs2484622907, ClinGen allele CA368264081.

ClinVar aggregate classification (germline): Uncertain significance (1 of 4 stars; one submission).

Submission:

Labcorp Genetics (formerly Invitae), Labcorp
Classification: Uncertain significance. Last evaluated: 2022-07-06. Review status: criteria provided, single submitter. Criteria: Invitae Variant Classification Sherloc (09022015). Collection method: clinical testing. Allele origin: germline.
Comment: This sequence change replaces lysine, which is basic and polar, with glutamic acid, which is acidic and polar, at codon 540 of the ASNS protein (p.Lys540Glu). This variant is not present in population databases (gnomAD no frequency). This variant has not been reported in the literature in individuals affected with ASNS-related conditions. Algorithms developed to predict the effect of missense changes on protein structure and function (SIFT, PolyPhen-2, Align-GVGD) all suggest that this variant is likely to be tolerated. In summary, the available evidence is currently insufficient to determine the role of this variant in disease. Therefore, it has been classified as a Variant of Uncertain Significance.